The following is an entry in ClinVar:

NM_207346.3(TSEN54):c.720C>T (p.Cys240=)

Gene: TSEN54 (tRNA splicing endonuclease subunit 54; plus strand). Cytogenetic location: 17q25.1.
Variant type: single nucleotide variant.
Coding change: c.720C>T on transcript NM_207346.3 (MANE Select); coding-DNA position 720, C replaced by T.
Protein change: p.Cys240=; no amino-acid change (cysteine 240 retained).
Molecular consequence: synonymous variant.
Genome position (GRCh38, 1-based): chr17:75,521,801, C>T. VCF-style: chr17-75521801-C-T. GRCh37 (hg19) VCF-style: chr17-73517882-C-T.
Other names: c.720C>T (NM_207346.2).
Identifiers: ClinVar variation 1554743 (VCV001554743.10), dbSNP rs372368367, ClinGen allele CA8764255.

ClinVar aggregate classification (germline): Likely benign. Review status: criteria provided, single submitter (1 of 4 stars). 2 submissions from 2 submitters: Likely benign (1). 1 of the submissions does not count toward it. Last evaluated 2024-02-09.

Conditions:
TSEN54-related disorder. Also called: TSEN54-related condition.

Allele frequency attached by ClinVar (database versions not stated): ExAC 0.00001; gnomAD 0.00002 and 0.00003; TOPMed 0.00002; ESP Exome Variant Server 0.00008.
gnomAD v4.1: 48 of 1,613,022 alleles (0.003%); highest among the groups gnomAD compares: Non-Finnish European, 0.0041%; no homozygotes.

Submissions (2):

Labcorp Genetics (formerly Invitae), Labcorp
Classification: Likely benign. Last evaluated: 2024-02-09. Review status: criteria provided, single submitter. Criteria: Invitae Variant Classification Sherloc (09022015). Collection method: clinical testing. Allele origin: germline.

PreventionGenetics, part of Exact Sciences
Classification: Likely benign for TSEN54-related condition. Last evaluated: 2022-07-28. Review status: no assertion criteria provided. Collection method: clinical testing. Allele origin: germline. Not counted in ClinVar's aggregate classification.
Comment: This variant is classified as likely benign based on ACMG/AMP sequence variant interpretation guidelines (Richards et al. 2015 PMID: 25741868, with internal and published modifications).